The following is an entry in ClinVar:

NM_015102.5(NPHP4):c.2569C>T (p.Arg857Cys)

Gene: NPHP4 (nephrocystin 4; minus strand). Cytogenetic location: 1p36.31.
Variant type: single nucleotide variant.
Coding change: c.2569C>T on transcript NM_015102.5 (MANE Select); coding-DNA position 2569, C replaced by T.
Protein change: p.Arg857Cys; replaces arginine 857 with cysteine.
Molecular consequence: missense variant. On other transcripts: non-coding transcript variant (1).
Genome position (GRCh38, 1-based): chr1:5,880,156, G>A on the plus strand (C>T on the coding strand, the complement: NPHP4 is on the minus strand). VCF-style: chr1-5880156-G-A. GRCh37 (hg19) VCF-style: chr1-5940216-G-A.
Other names: c.2569C>T (NM_015102.3); c.1030C>T, p.Arg344Cys (NM_001291593.2); c.1033C>T, p.Arg345Cys (NM_001291594.2); short protein forms R857C, R345C, R344C.
Identifiers: ClinVar variation 288104 (VCV000288104.17), dbSNP rs372688518, ClinGen allele CA554061.
Genomic context (GRCh38, chr1:5,880,156, plus strand): 5'-CCAACAGTGTAAACTCACGCCTTGAGCTTCCAGTCGTGAGGAGGCTGCCTCCAGAGAAGC[G>A]GCTGGCTCCATCGTTTGAGATGACCCGAGATCTGGACGGTGGCAATGTGCTACAACCTCT-3'
Protein context (NP_055917.1, residues 847-867): SRVISNDGAS[Arg857Cys]FSGGSLLTTG

ClinVar aggregate classification (germline): Uncertain significance. Review status: criteria provided, multiple submitters, no conflicts (2 of 4 stars). 6 submissions from 6 submitters: Uncertain significance (6). Last evaluated 2026-08-12.

Conditions:
Nephronophthisis. Also called: Juvenile Nephronophthisis. Identifiers: Orphanet 655, MedGen C0687120, MONDO:0019005, HP:0000090.
NPHP4-related disorder. Also called: NPHP4-related disorders; NPHP4-related condition. Identifiers: MedGen CN239384.
Inborn genetic diseases. Identifiers: MedGen C0950123, MeSH D030342.
Senior-Loken syndrome 4 (SLSN4). Identifiers: Orphanet 3156, MedGen C1846979, MONDO:0011756, OMIM 606996.
Nephronophthisis 4 (NPHP4). Also called: NEPHRONOPHTHISIS 4, JUVENILE. Identifiers: Orphanet 655, MedGen C1847013, MONDO:0011752, OMIM 606966.

Allele frequency attached by ClinVar (database versions not stated): ExAC 0.00005; gnomAD exomes 0.00005; gnomAD 0.00009 and 0.00010; ESP Exome Variant Server 0.00016; TOPMed 0.00035.
gnomAD v4.1: 102 of 1,613,550 alleles (0.0063%); highest among the groups gnomAD compares: Admixed American, 0.032%; 1 homozygote.

Submissions (6):

PreventionGenetics, part of Exact Sciences
Classification: Uncertain significance for NPHP4-related condition. Last evaluated: 2026-08-12. Review status: criteria provided, single submitter. Criteria: ACMG Guidelines, 2015. Collection method: clinical testing. Allele origin: germline.
Comment: The NPHP4 c.2569C>T variant is predicted to result in the amino acid substitution p.Arg857Cys. To our knowledge, this variant has not been reported in the literature. This variant is reported in 0.0070% of alleles in individuals of European (Non-Finnish) descent in gnomAD. At this time, the clinical significance of this variant is uncertain due to the absence of conclusive functional and genetic evidence.

Ambry Genetics
Classification: Uncertain significance for Inborn genetic diseases. Last evaluated: 2025-12-04. Review status: criteria provided, single submitter. Criteria: Ambry Variant Classification Scheme 2023. Collection method: clinical testing. Allele origin: germline.

Blueprint Genetics
Classification: Uncertain significance. Last evaluated: 2024-11-07. Review status: criteria provided, single submitter. Criteria: ACMG Guidelines, 2015. Collection method: clinical testing. Allele origin: germline.

Fulgent Genetics
Classification: Uncertain significance for Nephronophthisis 4; Senior-Loken syndrome 4. Last evaluated: 2024-05-17. Review status: criteria provided, single submitter. Criteria: ACMG Guidelines, 2015. Collection method: clinical testing. Allele origin: germline.

Labcorp Genetics (formerly Invitae), Labcorp
Classification: Uncertain significance for Nephronophthisis. Last evaluated: 2022-08-16. Review status: criteria provided, single submitter. Criteria: Invitae Variant Classification Sherloc (09022015). Collection method: clinical testing. Allele origin: germline.
Comment: This sequence change replaces arginine, which is basic and polar, with cysteine, which is neutral and slightly polar, at codon 857 of the NPHP4 protein (p.Arg857Cys). This variant is present in population databases (rs372688518, gnomAD 0.007%). This variant has not been reported in the literature in individuals affected with NPHP4-related conditions. ClinVar contains an entry for this variant (Variation ID: 288104). Algorithms developed to predict the effect of missense changes on protein structure and function (SIFT, PolyPhen-2, Align-GVGD) all suggest that this variant is likely to be tolerated. In summary, the available evidence is currently insufficient to determine the role of this variant in disease. Therefore, it has been classified as a Variant of Uncertain Significance.

Eurofins Ntd Llc (ga)
Classification: Uncertain significance. Last evaluated: 2018-03-02. Review status: criteria provided, single submitter. Criteria: EGL ClinVar v180209 classification definitions. Collection method: clinical testing. Allele origin: germline. Observed: 3 variant alleles, 3 heterozygotes.